The following is an entry in ClinVar:

NM_001351132.2(PEX5):c.933C>G (p.Asp311Glu)

Gene: PEX5 (peroxisomal biogenesis factor 5; plus strand). Cytogenetic location: 12p13.31.
Variant type: single nucleotide variant.
Coding change: c.933C>G on transcript NM_001351132.2 (MANE Select); coding-DNA position 933, C replaced by G.
Protein change: p.Asp311Glu; replaces aspartic acid 311 with glutamic acid.
Molecular consequence: missense variant.
Genome position (GRCh38, 1-based): chr12:7,203,518, C>G. VCF-style: chr12-7203518-C-G. GRCh37 (hg19) VCF-style: chr12-7356114-C-G.
Other names: c.822C>G, p.Asp274Glu (NM_001351124.3, NM_001351126.2, NM_001351127.2 and 7 more transcripts); c.933C>G, p.Asp311Glu (NM_001351131.2, NM_001351133.2, NM_001351134.2 and 5 more transcripts); c.798C>G, p.Asp266Glu (NM_001374649.2, NM_001351139.2, NM_001351140.2); c.909C>G, p.Asp303Glu (NM_000319.5); c.978C>G, p.Asp326Glu (NM_001131023.2); c.867C>G, p.Asp289Glu (NM_001351135.3, NM_001351138.2); short protein forms D289E, D303E, D266E, D326E, D274E, D311E.
Identifiers: ClinVar variation 1363539 (VCV001363539.8), dbSNP rs1446059699, ClinGen allele CA383727167.

ClinVar aggregate classification (germline): Uncertain significance (1 of 4 stars; one submission).

Conditions:
Peroxisome biogenesis disorder 2B (PBD2B). Identifiers: Orphanet 44, MedGen C3550234, MONDO:0008736, OMIM 202370.

Submission:

Labcorp Genetics (formerly Invitae), Labcorp
Classification: Uncertain significance for Peroxisome biogenesis disorder 2B. Last evaluated: 2021-06-24. Review status: criteria provided, single submitter. Criteria: Invitae Variant Classification Sherloc (09022015). Collection method: clinical testing. Allele origin: germline.
Comment: In summary, the available evidence is currently insufficient to determine the role of this variant in disease. Therefore, it has been classified as a Variant of Uncertain Significance. Algorithms developed to predict the effect of sequence changes on RNA splicing suggest that this variant may create or strengthen a splice site, but this prediction has not been confirmed by published transcriptional studies. Algorithms developed to predict the effect of missense changes on protein structure and function output the following: SIFT: "Tolerated"; PolyPhen-2: "Benign"; Align-GVGD: "Class C0". The glutamic acid amino acid residue is found in multiple mammalian species, suggesting that this missense change does not adversely affect protein function. These predictions have not been confirmed by published functional studies and their clinical significance is uncertain. This sequence change replaces aspartic acid with glutamic acid at codon 311 of the PEX5 protein (p.Asp311Glu). The aspartic acid residue is highly conserved and there is a small physicochemical difference between aspartic acid and glutamic acid. This variant is not present in population databases (ExAC no frequency). This variant has not been reported in the literature in individuals with PEX5-related conditions.